The following is an entry in ClinVar:

NM_006767.4(LZTR1):c.415G>A (p.Asp139Asn)

Gene: LZTR1 (leucine zipper like post translational regulator 1; plus strand). Cytogenetic location: 22q11.21.
Variant type: single nucleotide variant.
Coding change: c.415G>A on transcript NM_006767.4 (MANE Select); coding-DNA position 415, G replaced by A.
Protein change: p.Asp139Asn; replaces aspartic acid 139 with asparagine.
Molecular consequence: missense variant.
Genome position (GRCh38, 1-based): chr22:20,988,024, G>A. VCF-style: chr22-20988024-G-A. GRCh37 (hg19) VCF-style: chr22-21342313-G-A.
Other names: short protein forms D139N.
Identifiers: ClinVar variation 3716466 (VCV003716466.2).

ClinVar aggregate classification (germline): Uncertain significance (1 of 4 stars; one submission).

Submission:

Labcorp Genetics (formerly Invitae), Labcorp
Classification: Uncertain significance. Last evaluated: 2024-02-14. Review status: criteria provided, single submitter. Criteria: Invitae Variant Classification Sherloc (09022015). Collection method: clinical testing. Allele origin: germline.
Comment: This sequence change replaces aspartic acid, which is acidic and polar, with asparagine, which is neutral and polar, at codon 139 of the LZTR1 protein (p.Asp139Asn). This variant is not present in population databases (gnomAD no frequency). This variant has not been reported in the literature in individuals affected with LZTR1-related conditions. Advanced modeling of protein sequence and biophysical properties (such as structural, functional, and spatial information, amino acid conservation, physicochemical variation, residue mobility, and thermodynamic stability) performed at Invitae indicates that this missense variant is not expected to disrupt LZTR1 protein function with a negative predictive value of 80%. In summary, the available evidence is currently insufficient to determine the role of this variant in disease. Therefore, it has been classified as a Variant of Uncertain Significance.